The following is an entry in ClinVar:

NM_002049.4(GATA1):c.220+1G>T

Gene: GATA1 (GATA binding protein 1; plus strand). Cytogenetic location: Xp11.23.
Variant type: single nucleotide variant.
Coding change: c.220+1G>T on transcript NM_002049.4 (MANE Select); the canonical splice donor site of the intron after coding-DNA position 220, G replaced by T.
Molecular consequence: splice donor variant.
Genome position (GRCh38, 1-based): chrX:48,791,330, G>T. VCF-style: chrX-48791330-G-T. GRCh37 (hg19) VCF-style: chrX-48649737-G-T.
Identifiers: ClinVar variation 2952846 (VCV002952846.3), dbSNP rs1569499366, ClinGen allele CA412867315.
Genomic context (GRCh38, chrX:48,791,330, plus strand): 5'-CCGCTGCAGCTGCGGCACTGGCCTACTACAGGGACGCTGAGGCCTACAGACACTCCCCAG[G>T]TAACTCCATTGAGTGGCTGTCTTGGCATTGGCTGAGTGCTGTTGGGGTTGCCATGGAGAT-3'

ClinVar aggregate classification (germline): Pathogenic (1 of 4 stars; one submission).

Conditions:
Diamond-Blackfan anemia. Also called: Blackfan Diamond syndrome; Aregenerative anemia chronic congenital; Red cell aplasia, pure hereditary; Congenital hypoplastic anemia; Aase syndrome. Identifiers: Orphanet 124, MedGen C1260899, MeSH D029503, MONDO:0015253, HP:0004810.
GATA binding protein 1 related thrombocytopenia with dyserythropoiesis. Also called: GATA1-Related Cytopenia; GATA1-Related X-Linked Cytopenia. Identifiers: MedGen C1845837, MONDO:0100089.

Submission:

Labcorp Genetics (formerly Invitae), Labcorp
Classification: Pathogenic for GATA binding protein 1 related thrombocytopenia with dyserythropoiesis; Diamond-Blackfan anemia. Last evaluated: 2023-10-14. Review status: criteria provided, single submitter. Criteria: Invitae Variant Classification Sherloc (09022015). Collection method: clinical testing. Allele origin: germline.
Comment: This sequence change affects a donor splice site in intron 2 of the GATA1 gene. It is expected to disrupt RNA splicing. Variants that disrupt the donor or acceptor splice site typically lead to a loss of protein function (PMID: 16199547), and loss-of-function variants in GATA1 are known to be pathogenic (PMID: 16783379, 22706301, 23704091, 24453067). This variant is not present in population databases (gnomAD no frequency). Disruption of this splice site has been observed in individual(s) with Diamond-Blackfan anemia (PMID: 22706301, 36845397; Invitae). Algorithms developed to predict the effect of sequence changes on RNA splicing suggest that this variant may disrupt the consensus splice site. This variant disrupts the c.220+1G nucleotide in the GATA1 gene. Other variant(s) that disrupt this nucleotide have been determined to be pathogenic (PMID: 22706301, 36845397; Invitae). This suggests that this nucleotide is clinically significant, and that variants that disrupt this position are likely to be disease-causing. For these reasons, this variant has been classified as Pathogenic.

Literature cited by the submitters: PubMed 16199547; PubMed 16783379; PubMed 22706301; PubMed 23704091; PubMed 24453067; PubMed 36845397.